The following is an entry in ClinVar:

ClinVar aggregate classification (germline): Benign (1 of 4 stars; one submission).

Conditions:
Polydactyly of a triphalangeal thumb. Also called: POLYDACTYLY OF TRIPHALANGEAL THUMB; TRIPHALANGEAL THUMB-POLYDACTYLY SYNDROME; Polydactyly, preaxial type II. Identifiers: Orphanet 2439, Orphanet 2950, Orphanet 93336, MedGen C1868114, MONDO:0008270, OMIM 174500.

Allele frequency attached by ClinVar (database versions not stated): gnomAD 0.00077 and 0.00131; TOPMed 0.00158; 1000 Genomes Project 30x 0.00531; 1000 Genomes Project 0.00619.

Submission:

Illumina Laboratory Services, Illumina
Classification: Benign for Polydactyly of a triphalangeal thumb. Last evaluated: 2018-01-13. Review status: criteria provided, single submitter. Criteria: ICSL Variant Classification Criteria 13 December 2019. Collection method: clinical testing. Allele origin: germline.
Comment: This variant was observed in the ICSL laboratory as part of a predisposition screen in an ostensibly healthy population. It had not been previously curated by ICSL or reported in the Human Gene Mutation Database (HGMD: prior to June 1st, 2018), and was therefore a candidate for classification through an automated scoring system. Utilizing variant allele frequency, disease prevalence and penetrance estimates, and inheritance mode, an automated score was calculated to assess if this variant is too frequent to cause the disease. Based on the score and internal cut-off values, a variant classified as benign is not then subjected to further curation. The score for this variant resulted in a classification of benign for this disease.

NM_022458.4(LMBR1):c.*2065A>G

Gene: LMBR1 (limb development membrane protein 1; minus strand). Cytogenetic location: 7q36.3.
Variant type: single nucleotide variant.
Coding change: c.*2065A>G on transcript NM_022458.4 (MANE Select); 2065 bases downstream of the stop codon, A replaced by G.
Molecular consequence: 3 prime UTR variant. On other transcripts: non-coding transcript variant (2).
Genome position (GRCh38, 1-based): chr7:156,682,013, T>C on the plus strand (A>G on the coding strand, the complement: LMBR1 is on the minus strand). VCF-style: chr7-156682013-T-C. GRCh37 (hg19) VCF-style: chr7-156474707-T-C.
Other names: c.*2065A>G (NM_001350953.2, NM_001350954.2, NM_001350955.2 and 8 more transcripts).
Identifiers: ClinVar variation 359389 (VCV000359389.5), dbSNP rs146931391, ClinGen allele CA10623515.
Genomic context (GRCh38, chr7:156,682,013, plus strand): 5'-TGCTTGGGCATGTGCTCAGGAAGAGCCTCGAGGAACCGTGATTACGCAGCAGCCCAAGGC[T>C]GTAACAATCTATTTGTTCTCAAGGCATATGAGTCCCAGGTTCGAAGCCGTCCTTCCACCC-3'